The following is an entry in ClinVar:

ClinVar aggregate classification (germline): Uncertain significance. Review status: criteria provided, multiple submitters, no conflicts (2 of 4 stars). 3 submissions from 3 submitters: Uncertain significance (3). Last evaluated 2025-11-13.

Conditions:
Dilated cardiomyopathy 1W (CMD1W). Identifiers: Orphanet 154, MedGen C1969639, MONDO:0012667, OMIM 611407.

Submissions (3):

Labcorp Genetics (formerly Invitae), Labcorp
Classification: Uncertain significance for Dilated cardiomyopathy 1W. Last evaluated: 2025-11-13. Review status: criteria provided, single submitter. Criteria: Invitae Variant Classification Sherloc (09022015). Collection method: clinical testing. Allele origin: germline.
Comment: This sequence change affects an acceptor splice site in intron 16 of the VCL gene. It is expected to disrupt RNA splicing. Variants that disrupt the donor or acceptor splice site typically lead to a loss of protein function (PMID: 16199547), however the current clinical and genetic evidence is not sufficient to establish whether loss-of-function variants in VCL cause disease. This variant is not present in population databases (gnomAD no frequency). This variant has not been reported in the literature in individuals affected with VCL-related conditions. ClinVar contains an entry for this variant (Variation ID: 202148). Algorithms developed to predict the effect of sequence changes on RNA splicing suggest that this variant may disrupt the consensus splice site. In summary, the available evidence is currently insufficient to determine the role of this variant in disease. Therefore, it has been classified as a Variant of Uncertain Significance.

Women's Health and Genetics/Laboratory Corporation of America, LabCorp
Classification: Uncertain significance. Last evaluated: 2024-12-24. Review status: criteria provided, single submitter. Criteria: LabCorp Variant Classification Summary - May 2015. Collection method: clinical testing. Allele origin: germline.
Comment: Variant summary: VCL c.2435-1G>A is located in a canonical splice-site and is predicted to affect mRNA splicing resulting in a significantly altered protein due to either exon skipping, shortening, or inclusion of intronic material. Variants that disrupt the consensus splice site are a relatively common cause of aberrant splicing, however current evidence is not sufficient to establish loss of function as a mechanism for disease. Several computational tools predict a significant impact on normal splicing: Two predict the variant abolishes a 3' acceptor site. Two predict the variant creates a 3' acceptor site. However, these predictions have yet to be confirmed by functional studies. The variant was absent in 251456 control chromosomes. The available data on variant occurrences in the general population are insufficient to allow any conclusion about variant significance. c.2435-1G>A has been reported in the literature in an individual affected with Cardiomyopathy, however, this individual was also heterozygous for a variant in SCN5A (Hawley_2020). These report(s) do not provide unequivocal conclusions about association of the variant with Cardiomyopathy. To our knowledge, no experimental evidence demonstrating an impact on protein function has been reported. The following publication has been ascertained in the context of this evaluation (PMID: 32516855). ClinVar contains an entry for this variant (Variation ID: 202148). Based on the evidence outlined above, the variant was classified as uncertain significance.

GeneDx
Classification: Uncertain significance. Last evaluated: 2013-06-18. Review status: criteria provided, single submitter. Criteria: GeneDx Variant Classification (06012015). Collection method: clinical testing. Allele origin: germline. Affected: yes.
Comment: The c.2435-1 G>A variant has not been reported as a disease-causing mutation or as a benign polymorphism to our knowledge, this variant destroys the canonical splice acceptor site in intron 16 and is predicted to cause abnormal gene splicing. The variant is predicted to lead to either an abnormal message that is subject to nonsense-mediated mRNA decay, or to an abnormal protein product if the message is used for protein translation. Nevertheless, no splice site or frameshift disease-causing mutations in the VCL gene have been reported in association with cardiomyopathy. With the clinical and molecular information available at this time, we cannot definitively determine if c.2435-1 G>A is a disease-causing mutation or a rare benign variant. The variant is found in VCL panel(s).

Literature cited by the submitters: PubMed 16199547 (cited by Labcorp Genetics (formerly Invitae), Labcorp); PubMed 32516855 (cited by Women's Health and Genetics/Laboratory Corporation of America, LabCorp).

NM_014000.3(VCL):c.2435-1G>A

Gene: VCL (vinculin; plus strand). Cytogenetic location: 10q22.2.
Variant type: single nucleotide variant.
Coding change: c.2435-1G>A on transcript NM_014000.3 (MANE Select); the canonical splice acceptor site of the intron before coding-DNA position 2435, G replaced by A.
Molecular consequence: splice acceptor variant.
Genome position (GRCh38, 1-based): chr10:74,107,229, G>A. VCF-style: chr10-74107229-G-A. GRCh37 (hg19) VCF-style: chr10-75866987-G-A.
Other names: c.2435-1G>A (NM_003373.4).
Identifiers: ClinVar variation 202148 (VCV000202148.5), dbSNP rs794729188, ClinGen allele CA335600.
Genomic context (GRCh38, chr10:74,107,229, plus strand): 5'-CACAGACAGTGCTTTGGGGCACTGACCCACCCAGCTGAAAGTGAGGATGTCTTGTGTTTA[G>A]GACTGCAAAAGAGCTTCCTGGACTCAGGATATCGGATCCTGGGAGCTGTGGCCAAGGTCA-3'